The following is an entry in ClinVar:

NM_003803.4(MYOM1):c.1438T>C (p.Tyr480His)

Gene: MYOM1 (myomesin 1; minus strand). Cytogenetic location: 18p11.31.
Variant type: single nucleotide variant.
Coding change: c.1438T>C on transcript NM_003803.4 (MANE Select); coding-DNA position 1438, T replaced by C.
Protein change: p.Tyr480His; replaces tyrosine 480 with histidine.
Molecular consequence: missense variant.
Genome position (GRCh38, 1-based): chr18:3,164,341, A>G on the plus strand (T>C on the coding strand, the complement: MYOM1 is on the minus strand). VCF-style: chr18-3164341-A-G. GRCh37 (hg19) VCF-style: chr18-3164339-A-G.
Other names: c.1438T>C, p.Tyr480His (NM_019856.2); short protein forms Y480H.
Identifiers: ClinVar variation 454429 (VCV000454429.11), dbSNP rs763945524, ClinGen allele CA8874952.

ClinVar aggregate classification (germline): Uncertain significance. Review status: criteria provided, multiple submitters, no conflicts (2 of 4 stars). 2 submissions from 2 submitters: Uncertain significance (2). Last evaluated 2024-11-15.

Conditions:
Hypertrophic cardiomyopathy. Also called: HYPERTROPHIC MYOCARDIOPATHY. Identifiers: Orphanet 217569, MedGen C0007194, MeSH D002312, MONDO:0005045, HP:0001639.

Allele frequency attached by ClinVar (database versions not stated): TOPMed 0.00003; ExAC 0.00004; gnomAD 0.00004 and 0.00005; gnomAD exomes 0.00003 and 0.00006.
gnomAD v4.1: 89 of 1,612,472 alleles (0.0055%); highest among the groups gnomAD compares: Non-Finnish European, 0.0075%; no homozygotes.

Submissions (2):

Labcorp Genetics (formerly Invitae), Labcorp
Classification: Uncertain significance for Hypertrophic cardiomyopathy. Last evaluated: 2024-11-15. Review status: criteria provided, single submitter. Criteria: Invitae Variant Classification Sherloc (09022015). Collection method: clinical testing. Allele origin: germline.
Comment: This sequence change replaces tyrosine, which is neutral and polar, with histidine, which is basic and polar, at codon 480 of the MYOM1 protein (p.Tyr480His). This variant is present in population databases (rs763945524, gnomAD 0.009%). This variant has not been reported in the literature in individuals affected with MYOM1-related conditions. ClinVar contains an entry for this variant (Variation ID: 454429). Invitae Evidence Modeling of protein sequence and biophysical properties (such as structural, functional, and spatial information, amino acid conservation, physicochemical variation, residue mobility, and thermodynamic stability) indicates that this missense variant is expected to disrupt MYOM1 protein function with a positive predictive value of 80%. In summary, the available evidence is currently insufficient to determine the role of this variant in disease. Therefore, it has been classified as a Variant of Uncertain Significance.

Ambry Genetics
Classification: Uncertain significance. Last evaluated: 2024-09-11. Review status: criteria provided, single submitter. Criteria: Ambry Variant Classification Scheme 2023. Collection method: clinical testing. Allele origin: germline.
Comment: The p.Y480H variant (also known as c.1438T>C), located in coding exon 9 of the MYOM1 gene, results from a T to C substitution at nucleotide position 1438. The tyrosine at codon 480 is replaced by histidine, an amino acid with similar properties. This amino acid position is conserved. In addition, this alteration is predicted to be deleterious by in silico analysis. Since supporting evidence is limited at this time, the clinical significance of this alteration remains unclear.